The following is an entry in ClinVar:

NM_006939.4(SOS2):c.1964A>G (p.Asp655Gly)

Gene: SOS2 (SOS Ras/Rho guanine nucleotide exchange factor 2; minus strand). Cytogenetic location: 14q21.3.
Variant type: single nucleotide variant.
Coding change: c.1964A>G on transcript NM_006939.4 (MANE Select); coding-DNA position 1964, A replaced by G.
Protein change: p.Asp655Gly; replaces aspartic acid 655 with glycine.
Molecular consequence: missense variant.
Genome position (GRCh38, 1-based): chr14:50,157,092, T>C on the plus strand (A>G on the coding strand, the complement: SOS2 is on the minus strand). VCF-style: chr14-50157092-T-C. GRCh37 (hg19) VCF-style: chr14-50623810-T-C.
Other names: c.1865A>G, p.Asp622Gly (NM_001411020.1); short protein forms D622G, D655G.
Identifiers: ClinVar variation 2625433 (VCV002625433.2), dbSNP rs1884846243, ClinGen allele CA389644547.
Genomic context (GRCh38, chr14:50,157,092, plus strand): 5'-AATCTTTTAAGGTCTGCACTGATTGGCTGCTCGCCTTTCTCTATTGCCAATTTGTCTGCG[T>C]CAGTAGGTTCTGGCTCTGGAATTTCAAACCTAAGAAGAAAAGCAAAAGGAGAAAAATCCG-3'
Protein context (NP_008870.2, residues 645-665): RFEIPEPEPT[Asp655Gly]ADKLAIEKGE

ClinVar aggregate classification (germline): Uncertain significance (1 of 4 stars; one submission).

Conditions:
Cardiovascular phenotype. Identifiers: MedGen CN230736.

Allele frequency attached by ClinVar (database versions not stated): gnomAD exomes below 0.00001.
gnomAD v4.1: 2 of 1,612,530 alleles (0.00012%); highest among the groups gnomAD compares: Non-Finnish European, 0.00017%; no homozygotes.

Submission:

Ambry Genetics
Classification: Uncertain significance for Cardiovascular phenotype. Last evaluated: 2023-08-25. Review status: criteria provided, single submitter. Criteria: Ambry Variant Classification Scheme 2023. Collection method: clinical testing. Allele origin: germline.
Comment: The p.D655G variant (also known as c.1964A>G), located in coding exon 12 of the SOS2 gene, results from an A to G substitution at nucleotide position 1964. The aspartic acid at codon 655 is replaced by glycine, an amino acid with similar properties. This amino acid position is conserved. In addition, this alteration is predicted to be tolerated by in silico analysis. Since supporting evidence is limited at this time, the clinical significance of this alteration remains unclear.